The following is an entry in ClinVar:

NC_000005.9:g.(?_1801522)_(1802498_?)del

Gene: NDUFS6 (NADH:ubiquinone oxidoreductase subunit S6; plus strand). Cytogenetic location: 5p15.33.
Variant type: Deletion.
Identifiers: ClinVar variation 2425150 (VCV002425150.4).

ClinVar aggregate classification (germline): Pathogenic (1 of 4 stars; one submission).

Submission:

Labcorp Genetics (formerly Invitae), Labcorp
Classification: Pathogenic. Last evaluated: 2022-09-23. Review status: criteria provided, single submitter. Criteria: Invitae Variant Classification Sherloc (09022015). Collection method: clinical testing. Allele origin: germline.
Comment: For these reasons, this variant has been classified as Pathogenic. This variant has not been reported in the literature in individuals affected with NDUFS6-related conditions. This variant is a gross deletion of the genomic region encompassing exon(s) 1-2 of the NDUFS6 gene, which includes the initiator codon. This deletion extends beyond the assayed region for this gene and therefore may encompass additional genes. It is expected to result in an absent or disrupted protein product. Loss-of-function variants in NDUFS6 are known to be pathogenic (PMID: 15372108).

Literature cited by the submitters: PubMed 15372108.